The following is an entry in ClinVar:

ClinVar aggregate classification (germline): Benign/Likely benign. Review status: criteria provided, multiple submitters, no conflicts (2 of 4 stars). 7 submissions from 7 submitters: Benign (3); Likely benign (3). 1 of the submissions does not count toward it. Last evaluated 2026-04-01.

Conditions:
Inborn genetic diseases. Identifiers: MedGen C0950123, MeSH D030342.
KBG syndrome (KBGS). Also called: ANKRD11-Related KBG Syndrome. Identifiers: Orphanet 2332, MedGen C0220687, MONDO:0007846, OMIM 148050.
ANKRD11-related disorder. Also called: ANKRD11-related condition.

Allele frequency attached by ClinVar (database versions not stated): gnomAD exomes 0.00026 and 0.00030; ExAC 0.00032; gnomAD 0.00129 and 0.00137; TOPMed 0.00139; ESP Exome Variant Server 0.00162.
gnomAD v4.1: 594 of 1,613,922 alleles (0.037%); highest among the groups gnomAD compares: African/African-American, 0.42%; 1 homozygote.

Submissions (7):

CeGaT Center for Human Genetics Tuebingen
Classification: Likely benign. Last evaluated: 2026-04-01. Review status: criteria provided, single submitter. Criteria: CeGaT Center For Human Genetics Tuebingen Variant Classification Criteria Version 2. Collection method: clinical testing. Allele origin: germline. Affected: yes. Observed: 2 variant alleles.
Comment: ANKRD11: BP4, BP7, BS1

Labcorp Genetics (formerly Invitae), Labcorp
Classification: Benign for KBG syndrome. Last evaluated: 2026-01-25. Review status: criteria provided, single submitter. Criteria: Invitae Variant Classification Sherloc (09022015). Collection method: clinical testing. Allele origin: germline.

Blueprint Genetics
Classification: Likely benign. Last evaluated: 2024-11-13. Review status: criteria provided, single submitter. Criteria: ACMG Guidelines, 2015. Collection method: clinical testing. Allele origin: germline.

Genome-Nilou Lab
Classification: Benign for KBG syndrome. Last evaluated: 2021-12-05. Review status: criteria provided, single submitter. Criteria: ACMG Guidelines, 2015. Collection method: clinical testing. Allele origin: germline. Affected: no.

GeneDx
Classification: Benign. Last evaluated: 2019-12-27. Review status: criteria provided, single submitter. Criteria: GeneDx Variant Classification Process June 2021. Collection method: clinical testing. Allele origin: germline. Affected: yes.

Ambry Genetics
Classification: Likely benign for Inborn genetic diseases. Last evaluated: 2016-09-01. Review status: criteria provided, single submitter. Criteria: Ambry Variant Classification Scheme 2023. Collection method: clinical testing. Allele origin: germline.

PreventionGenetics, part of Exact Sciences
Classification: Likely benign for ANKRD11-related condition. Last evaluated: 2023-01-18. Review status: no assertion criteria provided. Collection method: clinical testing. Allele origin: germline. Not counted in ClinVar's aggregate classification.
Comment: This variant is classified as likely benign based on ACMG/AMP sequence variant interpretation guidelines (Richards et al. 2015 PMID: 25741868, with internal and published modifications).

NM_013275.6(ANKRD11):c.1851C>T (p.Gly617=)

Gene: ANKRD11 (ankyrin repeat domain 11; minus strand). Cytogenetic location: 16q24.3.
Variant type: single nucleotide variant.
Coding change: c.1851C>T on transcript NM_013275.6 (MANE Select); coding-DNA position 1851, C replaced by T.
Protein change: p.Gly617=; no amino-acid change (glycine 617 retained).
Molecular consequence: synonymous variant.
Genome position (GRCh38, 1-based): chr16:89,284,691, G>A on the plus strand (C>T on the coding strand, the complement: ANKRD11 is on the minus strand). VCF-style: chr16-89284691-G-A. GRCh37 (hg19) VCF-style: chr16-89351099-G-A.
Other names: c.1851C>T, p.Gly617= (NM_001256182.2, NM_001256183.2).
Identifiers: ClinVar variation 588721 (VCV000588721.42), dbSNP rs144309427, ClinGen allele CA8242671.